The following is an entry in ClinVar:

ClinVar aggregate classification (germline): Uncertain significance. Review status: criteria provided, multiple submitters, no conflicts (2 of 4 stars). 5 submissions from 5 submitters: Uncertain significance (5). Last evaluated 2025-11-12.

Conditions:
Autosomal recessive limb-girdle muscular dystrophy type 2K. Also called: MUSCULAR DYSTROPHY-DYSTROGLYCANOPATHY (LIMB-GIRDLE), TYPE C, 1; MUSCULAR DYSTROPHY, LIMB-GIRDLE, TYPE 2K. Identifiers: Orphanet 86812, MedGen C1836373, MONDO:0012248, OMIM 609308.
Walker-Warburg congenital muscular dystrophy. Also called: Muscular dystrophy-dystroglycanopathy, type A; Walker-Warburg syndrome. Identifiers: Orphanet 899, MedGen C0265221, MONDO:0000171.
Muscular dystrophy-dystroglycanopathy (congenital with impaired intellectual development), type B, 1. Also called: MUSCULAR DYSTROPHY, CONGENITAL, POMT1-RELATED; Muscular dystrophy-dystroglycanopathy (congenital with intellectual disability), type B1. Identifiers: MedGen C5436962, MONDO:0013159, OMIM 613155.

Allele frequency attached by ClinVar (database versions not stated): ExAC 0.00002; TOPMed 0.00004; gnomAD exomes 0.00002; gnomAD 0.00002.
gnomAD v4.1: 35 of 1,613,986 alleles (0.0022%); highest among the groups gnomAD compares: East Asian, 0.027%; no homozygotes.

Submissions (5):

Labcorp Genetics (formerly Invitae), Labcorp
Classification: Uncertain significance for Muscular dystrophy-dystroglycanopathy (congenital with impaired intellectual development), type B, 1; Walker-Warburg congenital muscular dystrophy; Autosomal recessive limb-girdle muscular dystrophy type 2K. Last evaluated: 2025-11-12. Review status: criteria provided, single submitter. Criteria: Invitae Variant Classification Sherloc (09022015). Collection method: clinical testing. Allele origin: germline.
Comment: This sequence change replaces aspartic acid, which is acidic and polar, with asparagine, which is neutral and polar, at codon 295 of the POMT1 protein (p.Asp295Asn). This variant is present in population databases (rs754611085, gnomAD 0.02%). This variant has not been reported in the literature in individuals affected with POMT1-related conditions. ClinVar contains an entry for this variant (Variation ID: 913172). Invitae Evidence Modeling of protein sequence and biophysical properties (such as structural, functional, and spatial information, amino acid conservation, physicochemical variation, residue mobility, and thermodynamic stability) has been performed for this missense variant. However, the output from this modeling did not meet the statistical confidence thresholds required to predict the impact of this variant on POMT1 protein function. In summary, the available evidence is currently insufficient to determine the role of this variant in disease. Therefore, it has been classified as a Variant of Uncertain Significance.

Athena Diagnostics
Classification: Uncertain significance. Last evaluated: 2024-06-26. Review status: criteria provided, single submitter. Criteria: Athena Diagnostics Criteria. Collection method: clinical testing. Allele origin: unknown.
Comment: Available data are insufficient to determine the clinical significance of the variant at this time. The frequency of this variant in the general population is uninformative in assessment of its pathogenicity. Polyphen and MutationTaster predict this amino acid change may be damaging to the protein.

Mayo Clinic Laboratories, Mayo Clinic
Classification: Uncertain significance. Last evaluated: 2021-04-02. Review status: criteria provided, single submitter. Criteria: ACMG Guidelines, 2015. Collection method: clinical testing. Allele origin: germline.

Revvity Omics, Revvity
Classification: Uncertain significance. Last evaluated: 2019-08-09. Review status: criteria provided, single submitter. Criteria: ACMG Guidelines, 2015. Collection method: clinical testing. Allele origin: germline.

Illumina Laboratory Services, Illumina
Classification: Uncertain significance for Autosomal recessive limb-girdle muscular dystrophy type 2K. Last evaluated: 2018-01-12. Review status: criteria provided, single submitter. Criteria: ICSL Variant Classification Criteria 13 December 2019. Collection method: clinical testing. Allele origin: germline.

Literature cited by the submitters: PubMed 35846108 (cited by Athena Diagnostics); PubMed 28707430 (cited by Athena Diagnostics).

NM_001077365.2(POMT1):c.817G>A (p.Asp273Asn)

Gene: POMT1 (protein O-mannosyltransferase 1; plus strand). Cytogenetic location: 9q34.13.
Variant type: single nucleotide variant.
Coding change: c.817G>A on transcript NM_001077365.2 (MANE Select); coding-DNA position 817, G replaced by A.
Protein change: p.Asp273Asn; replaces aspartic acid 273 with asparagine.
Molecular consequence: missense variant. On other transcripts: non-coding transcript variant (10).
Genome position (GRCh38, 1-based): chr9:131,510,377, G>A. VCF-style: chr9-131510377-G-A. GRCh37 (hg19) VCF-style: chr9-134385764-G-A.
Other names: p.Asp295Asn; c.655G>A, p.Asp219Asn (NM_001077366.2, NM_001353194.2, NM_001374693.1); c.817G>A, p.Asp273Asn (NM_001136113.2, NM_001374690.1); c.466G>A, p.Asp156Asn (NM_001136114.2, NM_001353195.2, NM_001374691.1 and 1 more transcripts); c.883G>A, p.Asp295Asn (NM_001353193.2, NM_007171.4); c.727G>A, p.Asp243Asn (NM_001353196.2); c.721G>A, p.Asp241Asn (NM_001353197.2, NM_001353198.2); c.532G>A, p.Asp178Asn (NM_001353199.2); and 3 more; short protein forms D241N, D243N, D273N, D121N, D156N, D295N, D143N, D178N.
Identifiers: ClinVar variation 913172 (VCV000913172.16), dbSNP rs754611085, ClinGen allele CA5293446.
Genomic context (GRCh38, chr9:131,510,377, plus strand): 5'-GTCCTGTACTTACTGTTCTTCTACGTCCACTTGATTCTAGTCTTCCGCTCTGGGCCCCAC[G>A]ACCAAATCATGTCCAGTGCCTTCCAGGCCAGCTTAGAGGTAAGTAAGCAGTGGGCATCGT-3'
Protein context (NP_001070833.1, residues 263-283): LILVFRSGPH[Asp273Asn]QIMSSAFQAS